The following is an entry in ClinVar:

ClinVar aggregate classification (germline): Likely pathogenic (1 of 4 stars; one submission).

Conditions:
X-linked severe combined immunodeficiency (SCIDX1). Also called: IMMUNODEFICIENCY 4; SCID, X-LINKED; SEVERE COMBINED IMMUNODEFICIENCY, X-LINKED, T CELL-NEGATIVE, B CELL-POSITIVE, NK CELL-NEGATIVE; T-B+ severe combined immunodeficiency due to gamma chain deficiency; X-Linked Combined Immunodeficiency Diseases. Identifiers: Orphanet 276, MedGen C6022468, MONDO:0010315, OMIM 300400. Disease mechanism: loss of function.

Submission:

Myriad Genetics, Inc.
Classification: Likely pathogenic for X-linked severe combined immunodeficiency. Last evaluated: 2021-12-17. Review status: criteria provided, single submitter. Criteria: Myriad Women's Health Autosomal Recessive and X-Linked Classification Criteria (2021). Collection method: clinical testing. Allele origin: unknown.
Comment: NM_000206.2(IL2RG):c.537_538delGA(N180Pfs*12) is expected to be pathogenic in the context of X-linked severe combined immunodeficiency. This variant is predicted to lead to an abnormal or absent protein product due to the creation of a premature termination codon in IL2RG, a gene where loss-of-function variants are known to be pathogenic. Please note: this variant was assessed in the context of healthy population screening.

NM_000206.3(IL2RG):c.537_538del (p.Asn180fs)

Gene: IL2RG (interleukin 2 receptor subunit gamma; minus strand). Cytogenetic location: Xq13.1.
Variant type: Deletion.
Coding change: c.537_538del on transcript NM_000206.3 (MANE Select); coding-DNA positions 537 to 538, 2 bases deleted (GA; older notation c.537_538delGA).
Protein change: p.Asn180fs; shifts the reading frame from asparagine 180.
Molecular consequence: frameshift variant.
Genome position (GRCh38, 1-based): chrX:71,110,212-71,110,213, TC deleted on the plus strand (GA on the coding strand, the reverse complement: IL2RG is on the minus strand). VCF-style (leftmost placement, unchanged base first): chrX-71110211-TTC-T. GRCh37 (hg19) VCF-style: chrX-70330061-TTC-T.
Other names: short protein forms N180fs.
Identifiers: ClinVar variation 1726527 (VCV001726527.2), dbSNP rs2519646609, ClinGen allele CA2580101334.
Genomic context (GRCh38, chrX:71,110,211, plus strand): 5'-CTCACAGTCCAGCTGTGGTCCCAGTCAGTCCGGTACTGCACCAAGTGCTCCAAACAGTGG[TTC>T]AAGAATCTGTTGTTCCAGTTCAGTTCTAGCTGGGATTCACTCAGTTTGTGAAGTGTTAGG-3'